The following is an entry in ClinVar:

ClinVar aggregate classification (germline): Conflicting classifications of pathogenicity. Review status: criteria provided, conflicting classifications (1 of 4 stars). 2 submissions from 2 submitters: Uncertain significance (1); Likely benign (1). Last evaluated 2025-04-17.

Conditions:
Progressive sclerosing poliodystrophy (MTDPS4A). Also called: Alpers-Huttenlocher Syndrome (AHS); Alpers Syndrome; ALPERS PROGRESSIVE INFANTILE POLIODYSTROPHY; Mitochondrial DNA depletion syndrome 4A (Alpers type); ALPERS DIFFUSE DEGENERATION OF CEREBRAL GRAY MATTER WITH HEPATIC CIRRHOSIS; Alpers-Huttenlocher Syndrome. Identifiers: Orphanet 726, MedGen C0205710, MONDO:0008758, OMIM 203700.

Allele frequency attached by ClinVar (database versions not stated): gnomAD 0.00003 and 0.00002; gnomAD exomes 0.00003 and 0.00002; TOPMed 0.00001; ExAC 0.00004; 1000 Genomes Project 30x 0.00016; 1000 Genomes Project 0.00020.
gnomAD v4.1: 32 of 1,599,140 alleles (0.002%); highest among the groups gnomAD compares: South Asian, 0.0066%; no homozygotes.

Submissions (2):

Labcorp Genetics (formerly Invitae), Labcorp
Classification: Likely benign for Progressive sclerosing poliodystrophy. Last evaluated: 2025-04-17. Review status: criteria provided, single submitter. Criteria: Invitae Variant Classification Sherloc (09022015). Collection method: clinical testing. Allele origin: germline.

Wong Mito Lab, Molecular and Human Genetics, Baylor College of Medicine
Classification: Uncertain significance for Progressive sclerosing poliodystrophy. Last evaluated: 2018-10-01. Review status: criteria provided, single submitter. Criteria: ACMG Guidelines, 2015. Collection method: clinical testing. Allele origin: germline.
Comment: The NM_002693.2:c.1713-4G>A (NP_002684.1:p.=) [GRCH38: NC_000015.10:g.89325690C>T] variant in POLG gene is interpretated to be a Uncertain Significance based on ACMG guidelines (PMID: 25741868). This variant meets the following evidence codes reported in the ACMG-guideline. BP4:Computational evidence/predictors indicate no impact on the POLG structure, function, or protein-protein interaction. Based on the evidence criteria codes applied, the variant is suggested to be Uncertain Significance.

NM_002693.3(POLG):c.1713-4G>A

Gene: POLG (DNA polymerase gamma, catalytic subunit; minus strand). Cytogenetic location: 15q26.1.
Variant type: single nucleotide variant.
Coding change: c.1713-4G>A on transcript NM_002693.3 (MANE Select); 4 bases into the intron before coding-DNA position 1713, G replaced by A.
Molecular consequence: intron variant.
Genome position (GRCh38, 1-based): chr15:89,325,690, C>T on the plus strand (G>A on the coding strand, the complement: POLG is on the minus strand). VCF-style: chr15-89325690-C-T. GRCh37 (hg19) VCF-style: chr15-89868921-C-T.
Other names: c.1713-4G>A (NM_001126131.2).
Identifiers: ClinVar variation 619320 (VCV000619320.11), dbSNP rs201857960, ClinGen allele CA7724705.
Genomic context (GRCh38, chr15:89,325,690, plus strand): 5'-CTGGGGCCCGGGGTCCATGCAGGGTCGTCTAGCCGGGGGCAGAGCTTCCGGTACCATCTA[C>T]GTCCCAGCAGGAAGACAGCAGTGTCACGATGGTAAGGGCAGTTGTTGGGGGGAAGGTTCT-3'